The following is an entry in ClinVar:

ClinVar aggregate classification (germline): Uncertain significance (1 of 4 stars; one submission).

Conditions:
Catecholaminergic polymorphic ventricular tachycardia (CVPT). Also called: Catecholamine-induced polymorphic ventricular tachycardia. Identifiers: Orphanet 3286, MedGen C5574922, MONDO:0017990.

Submission:

All of Us Research Program, National Institutes of Health
Classification: Uncertain significance for Catecholaminergic polymorphic ventricular tachycardia. Last evaluated: 2024-04-16. Review status: criteria provided, single submitter. Criteria: ACMG Guidelines, 2015. Collection method: clinical testing. Allele origin: germline. Inheritance: Autosomal dominant inheritance. Observed: 1 variant allele, 1 heterozygote.
Comment: This missense variant replaces arginine with glycine at codon 3570 of the RYR2 protein. Computational prediction suggests that this variant may not impact protein structure and function (internally defined REVEL score threshold <= 0.5, PMID: 27666373). To our knowledge, functional studies have not been reported for this variant. This variant has not been reported in individuals affected with RYR2-related disorders in the literature. This variant has not been identified in the general population by the Genome Aggregation Database (gnomAD). The available evidence is insufficient to determine the role of this variant in disease conclusively. Therefore, this variant is classified as a Variant of Uncertain Significance.

This study involves interpretation of variants in research participants for the purpose of population health screening. Participant phenotype was not available at the time of variant classification. Additional details can be found in publication PMID: 35346344, PMCID: PMC8962531

NM_001035.3(RYR2):c.10708C>G (p.Arg3570Gly)

Gene: RYR2 (ryanodine receptor 2; plus strand). Cytogenetic location: 1q43.
Variant type: single nucleotide variant.
Coding change: c.10708C>G on transcript NM_001035.3 (MANE Select); coding-DNA position 10708, C replaced by G.
Protein change: p.Arg3570Gly; replaces arginine 3570 with glycine.
Molecular consequence: missense variant.
Genome position (GRCh38, 1-based): chr1:237,726,291, C>G. VCF-style: chr1-237726291-C-G. GRCh37 (hg19) VCF-style: chr1-237889591-C-G.
Other names: short protein forms R3570G.
Identifiers: ClinVar variation 3385832 (VCV003385832.1).